The following is an entry in ClinVar:

ClinVar aggregate classification (germline): Likely benign (1 of 4 stars; one submission).

Conditions:
GLIS3-related disorder. Also called: GLIS3-related condition.

gnomAD v4.1: 2 of 1,591,306 alleles (0.00013%); highest among the groups gnomAD compares: Admixed American, 0.0017%; no homozygotes.

Submission:

PreventionGenetics, part of Exact Sciences
Classification: Likely benign for GLIS3-related condition. Last evaluated: 2026-03-03. Review status: criteria provided, single submitter. Criteria: ACMG Guidelines, 2015. Collection method: clinical testing. Allele origin: germline.
Comment: This variant is classified as likely benign based on ACMG/AMP sequence variant interpretation guidelines (Richards et al. 2015 PMID: 25741868, with internal and published modifications).

NM_001042413.2(GLIS3):c.1230C>T (p.His410=)

Gene: GLIS3 (GLIS family zinc finger 3; minus strand). Cytogenetic location: 9p24.2.
Variant type: single nucleotide variant.
Coding change: c.1230C>T on transcript NM_001042413.2 (MANE Select); coding-DNA position 1230, C replaced by T.
Protein change: p.His410=; no amino-acid change (histidine 410 retained).
Molecular consequence: synonymous variant.
Genome position (GRCh38, 1-based): chr9:4,118,248, G>A on the plus strand (C>T on the coding strand, the complement: GLIS3 is on the minus strand). VCF-style: chr9-4118248-G-A. GRCh37 (hg19) VCF-style: chr9-4118248-G-A.
Other names: c.1230C>T, p.His410= (NM_001438906.1, NM_001438907.1, NM_001438908.1 and 2 more transcripts); c.765C>T, p.His255= (NM_001438909.1, NM_001438915.1, NM_152629.4); c.564C>T, p.His188= (NM_001438911.1, NM_001438912.1, NM_001438916.1).
Identifiers: ClinVar variation 5001067 (VCV005001067.1).